The following is an entry in ClinVar:

NM_003638.3(ITGA8):c.1336G>A (p.Val446Ile)

Gene: ITGA8 (integrin subunit alpha 8; minus strand). Cytogenetic location: 10p13.
Variant type: single nucleotide variant.
Coding change: c.1336G>A on transcript NM_003638.3 (MANE Select); coding-DNA position 1336, G replaced by A.
Protein change: p.Val446Ile; replaces valine 446 with isoleucine.
Molecular consequence: missense variant.
Genome position (GRCh38, 1-based): chr10:15,644,093, C>T on the plus strand (G>A on the coding strand, the complement: ITGA8 is on the minus strand). VCF-style: chr10-15644093-C-T. GRCh37 (hg19) VCF-style: chr10-15686092-C-T.
Other names: c.1291G>A, p.Val431Ile (NM_001291494.2); c.1336G>A (NM_003638.2); short protein forms V446I, V431I.
Identifiers: ClinVar variation 2400336 (VCV002400336.3), dbSNP rs140434568, ClinGen allele CA5420287.
Genomic context (GRCh38, chr10:15,644,093, plus strand): 5'-GGTAATCATTCTTGTCTATGTCTGAATCTCCTCTTAAAGTAAAGCCAAATCCGGAAGGGA[C>T]AGCATGTGAGGCCCACACTCCTTGCAGAACTTGGGAAGGCTTGGTGTTTAAGCCATCTTT-3'
Protein context (NP_003629.2, residues 436-456): VLQGVWASHA[Val446Ile]PSGFGFTLRG

ClinVar aggregate classification (germline): Likely benign. Review status: criteria provided, single submitter (1 of 4 stars). 2 submissions from 2 submitters: Likely benign (1). 1 of the submissions does not count toward it. Last evaluated 2021-11-29.

Conditions:
Inborn genetic diseases. Identifiers: MedGen C0950123, MeSH D030342.
ITGA8-related disorder. Also called: ITGA8-related condition.

Allele frequency attached by ClinVar (database versions not stated): 1000 Genomes Project 30x 0.00016; 1000 Genomes Project 0.00020; ExAC 0.00044; gnomAD 0.00050; TOPMed 0.00051; ESP Exome Variant Server 0.00108.
gnomAD v4.1: 1,236 of 1,614,046 alleles (0.077%); highest among the groups gnomAD compares: Non-Finnish European, 0.098%; 2 homozygotes.

Submissions (2):

Ambry Genetics
Classification: Likely benign for Inborn genetic diseases. Last evaluated: 2021-11-29. Review status: criteria provided, single submitter. Criteria: Ambry Variant Classification Scheme 2023. Collection method: clinical testing. Allele origin: germline.

PreventionGenetics, part of Exact Sciences
Classification: Uncertain significance for ITGA8-related condition. Last evaluated: 2024-07-26. Review status: no assertion criteria provided. Collection method: clinical testing. Allele origin: germline. Not counted in ClinVar's aggregate classification.
Comment: The ITGA8 c.1336G>A variant is predicted to result in the amino acid substitution p.Val446Ile. To our knowledge, this variant has not been reported in the literature. This variant is reported in 0.074% of alleles in individuals of European (Non-Finnish) descent in gnomAD. Although we suspect that this variant may be benign, at this time, the clinical significance of this variant is uncertain due to the absence of conclusive functional and genetic evidence.